The following is an entry in ClinVar:

ClinVar aggregate classification (germline): Pathogenic/Likely pathogenic. Review status: criteria provided, multiple submitters, no conflicts (2 of 4 stars). 2 submissions from 2 submitters: Pathogenic (1); Likely pathogenic (1). Last evaluated 2024-10-21.

Conditions:
COL11A2-related disorder. Also called: COL11A2-related condition; COL11A2-related disorders.

Allele frequency attached by ClinVar (database versions not stated): gnomAD exomes below 0.00001; gnomAD 0.00001; TOPMed 0.00001.
gnomAD v4.1: 2 of 1,613,340 alleles (0.00012%); highest among the groups gnomAD compares: Non-Finnish European, 0.00017%; no homozygotes.

Submissions (2):

Labcorp Genetics (formerly Invitae), Labcorp
Classification: Pathogenic. Last evaluated: 2024-10-21. Review status: criteria provided, single submitter. Criteria: Invitae Variant Classification Sherloc (09022015). Collection method: clinical testing. Allele origin: germline.
Comment: This sequence change creates a premature translational stop signal (p.Arg1320*) in the COL11A2 gene. It is expected to result in an absent or disrupted protein product. Loss-of-function variants in COL11A2 are known to be pathogenic (PMID: 10677296, 21204229). The frequency data for this variant in the population databases is considered unreliable, as metrics indicate poor data quality at this position in the gnomAD database. This premature translational stop signal has been observed in individual(s) with skeletal dysplasia (PMID: 34627339). ClinVar contains an entry for this variant (Variation ID: 1224488). Algorithms developed to predict the effect of sequence changes on RNA splicing suggest that this variant may disrupt the consensus splice site. For these reasons, this variant has been classified as Pathogenic.

Blueprint Genetics
Classification: Likely pathogenic for COL11A2-related disorders. Last evaluated: 2019-08-22. Review status: criteria provided, single submitter. Criteria: ACMG Guidelines, 2015. Collection method: clinical testing. Allele origin: germline. Affected: yes. Observed: 1 variant allele.

Literature cited by the submitters: PubMed 10677296 (cited by Labcorp Genetics (formerly Invitae), Labcorp); PubMed 21204229 (cited by Labcorp Genetics (formerly Invitae), Labcorp); PubMed 34627339 (cited by Labcorp Genetics (formerly Invitae), Labcorp).

NM_080680.3(COL11A2):c.3958C>T (p.Arg1320Ter)

Gene: COL11A2 (collagen type XI alpha 2 chain; minus strand). Cytogenetic location: 6p21.32.
Variant type: single nucleotide variant.
Coding change: c.3958C>T on transcript NM_080680.3 (MANE Select); coding-DNA position 3958, C replaced by T.
Protein change: p.Arg1320Ter; replaces arginine 1320 with a stop codon.
Molecular consequence: nonsense.
Genome position (GRCh38, 1-based): chr6:33,168,521, G>A on the plus strand (C>T on the coding strand, the complement: COL11A2 is on the minus strand). VCF-style: chr6-33168521-G-A. GRCh37 (hg19) VCF-style: chr6-33136298-G-A.
Other names: c.3637C>T, p.Arg1213Ter (NM_080679.3); c.3700C>T, p.Arg1234Ter (NM_080681.3); short protein forms R1213*, R1234*, R1320*.
Identifiers: ClinVar variation 1224488 (VCV001224488.5), dbSNP rs1206475365, ClinGen allele CA363624516.